The following is an entry in ClinVar:

ClinVar aggregate classification (germline): Likely benign. Review status: criteria provided, multiple submitters, no conflicts (2 of 4 stars). 6 submissions from 6 submitters: Likely benign (6). Last evaluated 2025-08-29.

Conditions:
Cardiovascular phenotype. Identifiers: MedGen CN230736.
Hypertrophic cardiomyopathy. Also called: HYPERTROPHIC MYOCARDIOPATHY. Identifiers: Orphanet 217569, MedGen C0007194, MeSH D002312, MONDO:0005045, HP:0001639.
Cardiomyopathy (CMYO). Also called: Cardiomyopathies. Identifiers: Orphanet 167848, MedGen C0878544, MONDO:0004994, HP:0001638. Inheritance: Various modes of inheritance.

Allele frequency attached by ClinVar (database versions not stated): gnomAD 0.00001; ExAC 0.00002; gnomAD exomes 0.00002; TOPMed 0.00003.
gnomAD v4.1: 31 of 1,612,280 alleles (0.0019%); highest among the groups gnomAD compares: Middle Eastern, 0.066%; no homozygotes.

Submissions (6):

Labcorp Genetics (formerly Invitae), Labcorp
Classification: Likely benign for Hypertrophic cardiomyopathy. Last evaluated: 2025-08-29. Review status: criteria provided, single submitter. Criteria: Invitae Variant Classification Sherloc (09022015). Collection method: clinical testing. Allele origin: germline.

Blueprint Genetics
Classification: Likely benign. Last evaluated: 2024-01-23. Review status: criteria provided, single submitter. Criteria: ACMG Guidelines, 2015. Collection method: clinical testing. Allele origin: germline.

All of Us Research Program, National Institutes of Health
Classification: Likely benign for Cardiomyopathy. Last evaluated: 2023-12-13. Review status: criteria provided, single submitter. Criteria: ACMG Guidelines, 2015. Collection method: clinical testing. Allele origin: germline. Inheritance: Autosomal dominant inheritance. Observed: 16 variant alleles, 16 heterozygotes.
Comment: This study involves interpretation of variants in research participants for the purpose of population health screening. Participant phenotype was not available at the time of variant classification. Additional details can be found in publication PMID: 35346344, PMCID: PMC8962531

GeneDx
Classification: Likely benign. Last evaluated: 2020-02-20. Review status: criteria provided, single submitter. Criteria: GeneDx Variant Classification Process June 2021. Collection method: clinical testing. Allele origin: germline. Affected: yes.

Ambry Genetics
Classification: Likely benign for Cardiovascular phenotype. Last evaluated: 2019-11-20. Review status: criteria provided, single submitter. Criteria: Ambry Variant Classification Scheme 2023. Collection method: clinical testing. Allele origin: germline.

Color Diagnostics, LLC DBA Color Health
Classification: Likely benign for Cardiomyopathy. Last evaluated: 2018-11-08. Review status: criteria provided, single submitter. Criteria: ACMG Guidelines, 2015. Collection method: clinical testing. Allele origin: germline.

NM_000257.4(MYH7):c.5508G>A (p.Ser1836=)

Gene: MYH7 (myosin heavy chain 7; minus strand). Cytogenetic location: 14q11.2.
Variant type: single nucleotide variant.
Coding change: c.5508G>A on transcript NM_000257.4 (MANE Select); coding-DNA position 5508, G replaced by A.
Protein change: p.Ser1836=; no amino-acid change (serine 1836 retained).
Molecular consequence: synonymous variant.
Genome position (GRCh38, 1-based): chr14:23,415,046, C>T on the plus strand (G>A on the coding strand, the complement: MYH7 is on the minus strand). VCF-style: chr14-23415046-C-T. GRCh37 (hg19) VCF-style: chr14-23884255-C-T.
Other names: c.5508G>A (LRG_384t1).
Identifiers: ClinVar variation 511350 (VCV000511350.17), dbSNP rs754171610, ClinGen allele CA047085.